The following is an entry in ClinVar:

NM_001098.3(ACO2):c.546G>A (p.Ala182=)

Gene: ACO2 (aconitase 2; plus strand). Cytogenetic location: 22q13.2.
Variant type: single nucleotide variant.
Coding change: c.546G>A on transcript NM_001098.3 (MANE Select); coding-DNA position 546, G replaced by A.
Protein change: p.Ala182=; no amino-acid change (alanine 182 retained).
Molecular consequence: synonymous variant.
Genome position (GRCh38, 1-based): chr22:41,515,397, G>A. VCF-style: chr22-41515397-G-A. GRCh37 (hg19) VCF-style: chr22-41911401-G-A.
Identifiers: ClinVar variation 1151398 (VCV001151398.13), dbSNP rs561001165, ClinGen allele CA10257395.

ClinVar aggregate classification (germline): Likely benign. Review status: criteria provided, multiple submitters, no conflicts (2 of 4 stars). 4 submissions from 4 submitters: Likely benign (3). 1 of the submissions does not count toward it. Last evaluated 2025-04-22.

Conditions:
ACO2-related disorder. Also called: ACO2-Related Disorders.

gnomAD v4.1: 247 of 1,612,764 alleles (0.015%); highest among the groups gnomAD compares: Non-Finnish European, 0.02%; no homozygotes.

Submissions (4):

Labcorp Genetics (formerly Invitae), Labcorp
Classification: Likely benign. Last evaluated: 2025-04-22. Review status: criteria provided, single submitter. Criteria: Invitae Variant Classification Sherloc (09022015). Collection method: clinical testing. Allele origin: germline.

Blueprint Genetics
Classification: Likely benign. Last evaluated: 2024-11-22. Review status: criteria provided, single submitter. Criteria: ACMG Guidelines, 2015. Collection method: clinical testing. Allele origin: germline.

GeneDx
Classification: Likely benign. Last evaluated: 2021-04-21. Review status: criteria provided, single submitter. Criteria: GeneDx Variant Classification Process June 2021. Collection method: clinical testing. Allele origin: germline. Affected: yes.

PreventionGenetics, part of Exact Sciences
Classification: Likely benign for ACO2-related condition. Last evaluated: 2022-08-17. Review status: no assertion criteria provided. Collection method: clinical testing. Allele origin: germline. Not counted in ClinVar's aggregate classification.
Comment: This variant is classified as likely benign based on ACMG/AMP sequence variant interpretation guidelines (Richards et al. 2015 PMID: 25741868, with internal and published modifications).